The following is an entry in ClinVar:

NM_000399.5(EGR2):c.551A>G (p.Asp184Gly)

Gene: EGR2 (early growth response 2; minus strand). Cytogenetic location: 10q21.3.
Variant type: single nucleotide variant.
Coding change: c.551A>G on transcript NM_000399.5 (MANE Select); coding-DNA position 551, A replaced by G.
Protein change: p.Asp184Gly; replaces aspartic acid 184 with glycine.
Molecular consequence: missense variant.
Genome position (GRCh38, 1-based): chr10:62,814,087, T>C on the plus strand (A>G on the coding strand, the complement: EGR2 is on the minus strand). VCF-style: chr10-62814087-T-C. GRCh37 (hg19) VCF-style: chr10-64573847-T-C.
Other names: c.551A>G, p.Asp184Gly (NM_001136177.3, NM_001136178.2); c.401A>G, p.Asp134Gly (NM_001136179.3, NM_001321037.2); short protein forms D134G, D184G.
Identifiers: ClinVar variation 1402922 (VCV001402922.6), dbSNP rs1589081367, ClinGen allele CA377030000.
Genomic context (GRCh38, chr10:62,814,087, plus strand): 5'-GGTGGGTAGGCCAGAGAGGAAGAGGTGGAGGTGGTGGCTGCTGACAGGAACGCAGAAGGG[T>C]CCTGGTAGAGGTCTCCTGCACAGCCAGAATAAGGAGGAGGAGGCGGTGGCGGAGAGTACA-3'
Protein context (NP_000390.2, residues 174-194): YSGCAGDLYQ[Asp184Gly]PSAFLSAATT

ClinVar aggregate classification (germline): Uncertain significance (1 of 4 stars; one submission).

Conditions:
Charcot-Marie-Tooth disease, type I (CMT1). Also called: Charcot-Marie-Tooth, Type 1; Charcot-Marie-Tooth disease type 1. Identifiers: Orphanet 65753, MedGen C0751036, MONDO:0019011.

Submission:

Labcorp Genetics (formerly Invitae), Labcorp
Classification: Uncertain significance for Charcot-Marie-Tooth disease, type I. Last evaluated: 2021-02-22. Review status: criteria provided, single submitter. Criteria: Invitae Variant Classification Sherloc (09022015). Collection method: clinical testing. Allele origin: germline.
Comment: This variant is not present in population databases (ExAC no frequency). This sequence change replaces aspartic acid with glycine at codon 184 of the EGR2 protein (p.Asp184Gly). The aspartic acid residue is moderately conserved and there is a moderate physicochemical difference between aspartic acid and glycine. This variant has been observed in individual(s) with Charcot-Marie-Tooth disease (Invitae). In summary, the available evidence is currently insufficient to determine the role of this variant in disease. Therefore, it has been classified as a Variant of Uncertain Significance. Algorithms developed to predict the effect of missense changes on protein structure and function are either unavailable or do not agree on the potential impact of this missense change (SIFT: "Not Available"; PolyPhen-2: "Probably Damaging"; Align-GVGD: "Not Available").